The following is an entry in ClinVar:

ClinVar aggregate classification (germline): Likely benign (1 of 4 stars; one submission).

Conditions:
MAMLD1-related disorder. Also called: MAMLD1-related condition.

gnomAD v4.1: 213 of 1,210,680 alleles (0.018%); highest among the groups gnomAD compares: African/African-American, 0.34%; 1 homozygote.

Submission:

PreventionGenetics, part of Exact Sciences
Classification: Likely benign for MAMLD1-related condition. Last evaluated: 2025-09-05. Review status: criteria provided, single submitter. Criteria: ACMG Guidelines, 2015. Collection method: clinical testing. Allele origin: germline.
Comment: This variant is classified as likely benign based on ACMG/AMP sequence variant interpretation guidelines (Richards et al. 2015 PMID: 25741868, with internal and published modifications).

NM_005491.5(MAMLD1):c.873C>T (p.Val291=)

Gene: MAMLD1 (mastermind like domain containing 1; plus strand). Cytogenetic location: Xq28.
Variant type: single nucleotide variant.
Coding change: c.873C>T on transcript NM_005491.5 (MANE Select); coding-DNA position 873, C replaced by T.
Protein change: p.Val291=; no amino-acid change (valine 291 retained).
Molecular consequence: synonymous variant.
Genome position (GRCh38, 1-based): chrX:150,470,446, C>T. VCF-style: chrX-150470446-C-T. GRCh37 (hg19) VCF-style: chrX-149638718-C-T.
Other names: c.798C>T, p.Val266= (NM_001177465.3, NM_001177466.3, NM_001400514.1); c.873C>T, p.Val291= (NM_001400512.1, NM_001400513.1, NM_001400515.1).
Identifiers: ClinVar variation 4982268 (VCV004982268.1).